The following is an entry in ClinVar:

ClinVar aggregate classification (germline): Uncertain significance (1 of 4 stars; one submission).

Submission:

CeGaT Center for Human Genetics Tuebingen
Classification: Uncertain significance. Last evaluated: 2022-10-01. Review status: criteria provided, single submitter. Criteria: CeGaT Center For Human Genetics Tuebingen Variant Classification Criteria Version 2. Collection method: clinical testing. Allele origin: germline. Affected: yes. Observed: 1 variant allele.
Comment: B3GNT7: PM2

NM_145236.3(B3GNT7):c.58G>A (p.Val20Met)

Genes: B3GNT7 (UDP-GlcNAc:betaGal beta-1,3-N-acetylglucosaminyltransferase 7; plus strand), LOC126806551 (CDK7 strongly-dependent group 2 enhancer GRCh37_chr2:232261821-232263020; plus strand). Cytogenetic location: 2q37.1.
Variant type: single nucleotide variant.
Coding change: c.58G>A on transcript NM_145236.3 (MANE Select); coding-DNA position 58, G replaced by A.
Protein change: p.Val20Met; replaces valine 20 with methionine.
Molecular consequence: missense variant.
Genome position (GRCh38, 1-based): chr2:231,397,777, G>A. VCF-style: chr2-231397777-G-A. GRCh37 (hg19) VCF-style: chr2-232262488-G-A.
Other names: short protein forms V20M.
Identifiers: ClinVar variation 2651997 (VCV002651997.24), dbSNP rs772021983, ClinGen allele CA350964137.